The following is an entry in ClinVar:

NM_013432.5(TONSL):c.1870G>A (p.Val624Ile)

Genes: TONSL (tonsoku like, DNA repair protein; minus strand), TONSL-AS1 (TONSL antisense RNA 1; plus strand). Cytogenetic location: 8q24.3.
Variant type: single nucleotide variant.
Coding change: c.1870G>A on transcript NM_013432.5 (MANE Select); coding-DNA position 1870, G replaced by A.
Protein change: p.Val624Ile; replaces valine 624 with isoleucine.
Molecular consequence: missense variant. On other transcripts: non-coding transcript variant (1).
Genome position (GRCh38, 1-based): chr8:144,436,777, C>T on the plus strand (G>A on the coding strand, the complement: TONSL is on the minus strand). VCF-style: chr8-144436777-C-T. GRCh37 (hg19) VCF-style: chr8-145662160-C-T.
Other names: short protein forms V624I.
Identifiers: ClinVar variation 1349230 (VCV001349230.7), dbSNP rs143988174, ClinGen allele CA4943028.
Genomic context (GRCh38, chr8:144,436,777, plus strand): 5'-CCCATAACCTCGCCCTTGCCCTCTGCCCCACCAGGCTCACCTTTCGAGTGCGGAGGGTGA[C>T]GGACGCCCCCCGTTCAAGCAGCAGCTCAGCCACCTCGAAGTGGCCACAGTTGAGGGCATC-3'
Protein context (NP_038460.4, residues 614-634): AELLLERGAS[Val624Ile]TLRTRKGLSP

ClinVar aggregate classification (germline): Uncertain significance (1 of 4 stars; one submission).

Allele frequency attached by ClinVar (database versions not stated): ExAC 0.00001; gnomAD exomes 0.00001 and 0.00002; TOPMed 0.00001; gnomAD 0.00003; ESP Exome Variant Server 0.00008.
gnomAD v4.1: 19 of 1,610,816 alleles (0.0012%); highest among the groups gnomAD compares: South Asian, 0.0033%; no homozygotes.

Submission:

Labcorp Genetics (formerly Invitae), Labcorp
Classification: Uncertain significance. Last evaluated: 2022-06-27. Review status: criteria provided, single submitter. Criteria: Invitae Variant Classification Sherloc (09022015). Collection method: clinical testing. Allele origin: germline.
Comment: In summary, the available evidence is currently insufficient to determine the role of this variant in disease. Therefore, it has been classified as a Variant of Uncertain Significance. Algorithms developed to predict the effect of missense changes on protein structure and function output the following: SIFT: "Tolerated"; PolyPhen-2: "Benign"; Align-GVGD: "Class C0". The isoleucine amino acid residue is found in multiple mammalian species, which suggests that this missense change does not adversely affect protein function. This variant has not been reported in the literature in individuals affected with TONSL-related conditions. This variant is present in population databases (rs143988174, gnomAD 0.008%). This sequence change replaces valine, which is neutral and non-polar, with isoleucine, which is neutral and non-polar, at codon 624 of the TONSL protein (p.Val624Ile).